The following is an entry in ClinVar:

NM_001267550.2(TTN):c.40208C>A (p.Thr13403Asn)

Gene: TTN (titin; minus strand). Cytogenetic location: 2q31.2.
Variant type: single nucleotide variant.
Coding change: c.40208C>A on transcript NM_001267550.2 (MANE Select); coding-DNA position 40208, C replaced by A.
Protein change: p.Thr13403Asn; replaces threonine 13403 with asparagine.
Molecular consequence: missense variant. On other transcripts: intron variant (5).
Genome position (GRCh38, 1-based): chr2:178,647,078, G>T on the plus strand (C>A on the coding strand, the complement: TTN is on the minus strand). VCF-style: chr2-178647078-G-T. GRCh37 (hg19) VCF-style: chr2-179511805-G-T.
Other names: c.13283-4761C>A (NM_003319.4); c.13859-4761C>A (NM_133437.4); c.13658-4761C>A (NM_133432.3); c.32594-1048C>A (NM_133378.4); c.35375-1048C>A (NM_001256850.1); short protein forms T13403N.
Identifiers: ClinVar variation 3730876 (VCV003730876.1).

ClinVar aggregate classification (germline): Uncertain significance (1 of 4 stars; one submission).

Submission:

GeneDx
Classification: Uncertain significance. Last evaluated: 2024-08-14. Review status: criteria provided, single submitter. Criteria: GeneDx Variant Classification Process June 2021. Collection method: clinical testing. Allele origin: germline. Affected: yes.
Comment: Not observed at significant frequency in large population cohorts (gnomAD); Missense variant in a gene in which most reported pathogenic variants are truncating/loss of function; Has not been previously published as pathogenic or benign to our knowledge